The following is an entry in ClinVar:

ClinVar aggregate classification (germline): Uncertain significance (1 of 4 stars; one submission).

Submission:

Labcorp Genetics (formerly Invitae), Labcorp
Classification: Uncertain significance. Last evaluated: 2021-07-09. Review status: criteria provided, single submitter. Criteria: Invitae Variant Classification Sherloc (09022015). Collection method: clinical testing. Allele origin: germline.
Comment: In summary, the available evidence is currently insufficient to determine the role of this variant in disease. Therefore, it has been classified as a Variant of Uncertain Significance. Algorithms developed to predict the effect of missense changes on protein structure and function (SIFT, PolyPhen-2, Align-GVGD) all suggest that this variant is likely to be disruptive, but these predictions have not been confirmed by published functional studies and their clinical significance is uncertain. This variant has not been reported in the literature in individuals with C1QTNF5-related conditions. This variant is not present in population databases (ExAC no frequency). This sequence change replaces phenylalanine with serine at codon 106 of the C1QTNF5 protein (p.Phe106Ser). The phenylalanine residue is highly conserved and there is a large physicochemical difference between phenylalanine and serine.

NM_001278431.2(C1QTNF5):c.317T>C (p.Phe106Ser)

Genes: C1QTNF5 (C1q and TNF related 5; minus strand), MFRP (membrane frizzled-related protein; minus strand). Cytogenetic location: 11q23.3.
Variant type: single nucleotide variant.
Coding change: c.317T>C on transcript NM_001278431.2 (MANE Select); coding-DNA position 317, T replaced by C.
Protein change: p.Phe106Ser; replaces phenylalanine 106 with serine.
Molecular consequence: missense variant. On other transcripts: 3 prime UTR variant (1).
Genome position (GRCh38, 1-based): chr11:119,339,746, A>G on the plus strand (T>C on the coding strand, the complement: C1QTNF5 is on the minus strand). VCF-style: chr11-119339746-A-G. GRCh37 (hg19) VCF-style: chr11-119210456-A-G.
Other names: c.317T>C, p.Phe106Ser (NM_015645.5); c.*1213T>C (NM_031433.4); short protein forms F106S.
Identifiers: ClinVar variation 1490917 (VCV001490917.8), dbSNP rs2135364367, ClinGen allele CA382969488.
Genomic context (GRCh38, chr11:119,339,746, plus strand): 5'-TCGAAGGGCAAGGGTGCGTCAGACGGCGGAGGCACCCGGCTCTCGGAGCGCTTGGCGCTG[A>G]AGGCGGATCGCGGAGGCACCGAGCACTCCCCGGCAGGCCCGGTGGGCCCCGCGGGTCCCG-3'
Protein context (NP_001265360.1, residues 96-116): GECSVPPRSA[Phe106Ser]SAKRSESRVP